The following is an entry in ClinVar:

NM_174936.4(PCSK9):c.1251C>A (p.His417Gln)

Gene: PCSK9 (proprotein convertase subtilisin/kexin type 9; plus strand). Cytogenetic location: 1p32.3.
Variant type: single nucleotide variant.
Coding change: c.1251C>A on transcript NM_174936.4 (MANE Select); coding-DNA position 1251, C replaced by A.
Protein change: p.His417Gln; replaces histidine 417 with glutamine.
Molecular consequence: missense variant.
Genome position (GRCh38, 1-based): chr1:55,058,106, C>A. VCF-style: chr1-55058106-C-A. GRCh37 (hg19) VCF-style: chr1-55523779-C-A.
Other names: c.1059C>A, p.His353Gln (NM_001407245.1); c.876C>A, p.His292Gln (NM_001407246.1); c.1374C>A, p.His458Gln (NM_001407240.1); c.1251C>A, p.His417Gln (NM_001407241.1); c.1254C>A, p.His418Gln (NM_001407242.1); c.1194C>A, p.His398Gln (NM_001407243.1); short protein forms H417Q, H458Q, H292Q, H353Q, H398Q, H418Q.
Identifiers: ClinVar variation 369875 (VCV000369875.20), dbSNP rs143275858, ClinGen allele CA036101.

ClinVar aggregate classification (germline): Conflicting classifications of pathogenicity. Review status: criteria provided, conflicting classifications (1 of 4 stars). 8 submissions from 8 submitters: Uncertain significance (2); Benign (1); Likely benign (5). Last evaluated 2025-12-29.

Conditions:
Cardiovascular phenotype. Identifiers: MedGen CN230736.
Familial hypercholesterolemia. Also called: Familial hypercholesterolemias; Familial hypercholesterolaemia. Identifiers: MedGen C0020445, MONDO:0005439.
Hypercholesterolemia, familial, 1. Also called: LDL RECEPTOR DISORDER; Hyperlipoproteinemia Type IIa; HYPER-LOW-DENSITY-LIPOPROTEINEMIA; HYPERCHOLESTEROLEMIC XANTHOMATOSIS, FAMILIAL; Fredrickson type IIa hyperlipoproteinemia; Hyperlipoproteinemia type 2. Identifiers: Orphanet 391665, MedGen C0745103, MONDO:0007750, OMIM 143890.
Hypercholesterolemia, autosomal dominant, 3 (FHCL3). Also called: Familial hypercholesterolemia 3; PCSK9-Related Familial Hypercholesterolemia, Autosomal Dominant; Familial Hypercholesterolemia, Autosomal Dominant, 3. Identifiers: MedGen C1863551, MONDO:0011369, OMIM 603776.

Allele frequency attached by ClinVar (database versions not stated): gnomAD exomes 0.00008 and 0.00021; ExAC 0.00027; gnomAD 0.00078; TOPMed 0.00079; ESP Exome Variant Server 0.00092; 1000 Genomes Project 0.00140; 1000 Genomes Project 30x 0.00141.
gnomAD v4.1: 242 of 1,613,692 alleles (0.015%); highest among the groups gnomAD compares: African/African-American, 0.31%; 1 homozygote.

Submissions (8):

Labcorp Genetics (formerly Invitae), Labcorp
Classification: Likely benign for Hypercholesterolemia, autosomal dominant, 3. Last evaluated: 2025-12-29. Review status: criteria provided, single submitter. Criteria: Invitae Variant Classification Sherloc (09022015). Collection method: clinical testing. Allele origin: germline.

Quest Diagnostics Nichols Institute San Juan Capistrano
Classification: Benign. Last evaluated: 2025-10-15. Review status: criteria provided, single submitter. Criteria: Quest Diagnostics criteria. Collection method: clinical testing. Allele origin: unknown.

GeneDx
Classification: Uncertain significance. Last evaluated: 2023-04-04. Review status: criteria provided, single submitter. Criteria: GeneDx Variant Classification Process June 2021. Collection method: clinical testing. Allele origin: germline. Affected: yes.
Comment: In silico analysis supports that this missense variant does not alter protein structure/function; Reported in association with high LDL in published literature; however, causality has not been clearly demonstrated (Kotowski et al., 2006); This variant is associated with the following publications: (PMID: 16465619, 23663650, Pham2021, 25904937, 17971861)

Ambry Genetics
Classification: Likely benign for Cardiovascular phenotype. Last evaluated: 2019-12-12. Review status: criteria provided, single submitter. Criteria: Ambry Variant Classification Scheme 2023. Collection method: clinical testing. Allele origin: germline.

Women's Health and Genetics/Laboratory Corporation of America, LabCorp
Classification: Likely benign. Last evaluated: 2019-09-10. Review status: criteria provided, single submitter. Criteria: LabCorp Variant Classification Summary - May 2015. Collection method: clinical testing. Allele origin: germline.
Comment: Variant summary: PCSK9 c.1251C>A (p.His417Gln) results in a non-conservative amino acid change located in the Peptidase S8/S53 domain (IPR000209) of the encoded protein sequence. Four of five in-silico tools predict a benign effect of the variant on protein function. The variant allele was found at a frequency of 0.00021 in 251248 control chromosomes, predominantly at a frequency of 0.0032 within the African or African-American subpopulation in the gnomAD database. The observed variant frequency within African or African-American control individuals in the gnomAD database is approximately 34-fold the estimated maximal allele frequency expected for a pathogenic variant in PCSK9 causing Familial Hypercholesterolemia phenotype (9.4e-05), strongly suggesting that the variant is a benign polymorphism found primarily in populations of African or African-American origin. c.1251C>A has been reported in the literature in individuals affected with hypercholesterolemia without strong evidence for causality (Kotowski_2006, Wang_2016). In one cohort, the association between this variant and LDL-C levels was not found (Kotowski_2006). At least one publication reports experimental evidence evaluating an impact on protein function. These results showed no damaging effect of this variant to PCSK9 processing (Chorba_2018). One clinical diagnostic laboratory has submitted clinical-significance assessments for this variant to ClinVar after 2014 without evidence for independent evaluation and classified the variant as likely benign. Based on the evidence outlined above, the variant was classified as likely benign.

Robarts Research Institute, Western University
Classification: Uncertain significance for Hypercholesterolemia, familial, 1. Last evaluated: 2019-08-22. Review status: criteria provided, single submitter. Criteria: Wang et al. (Arterioscler Thromb Vasc Biol. 2016). Collection method: clinical testing. Allele origin: germline. Inheritance: Autosomal dominant inheritance. Affected: yes. Observed: 1 variant allele.

Color Diagnostics, LLC DBA Color Health
Classification: Likely benign for Familial hypercholesterolemia. Last evaluated: 2018-08-08. Review status: criteria provided, single submitter. Criteria: ACMG Guidelines, 2015. Collection method: clinical testing. Allele origin: germline.

Centre de Génétique Moléculaire et Chromosomique, Unité de génétique de l'Obésité et des Dyslipidémies, APHP, GH Hôpitaux Universitaires Pitié-Salpêtrière / Charles-Foix
Classification: Likely benign for Hypercholesterolemia, autosomal dominant, 3. Last evaluated: 2016-12-16. Review status: criteria provided, single submitter. Criteria: ACMG Guidelines, 2015. Collection method: clinical testing. Allele origin: germline. Affected: yes.

Literature cited by the submitters: PubMed 16465619 (cited by 3 submitters); PubMed 17971861 (cited by Quest Diagnostics Nichols Institute San Juan Capistrano and Women's Health and Genetics/Laboratory Corporation of America, LabCorp); PubMed 17804797 (cited by Quest Diagnostics Nichols Institute San Juan Capistrano); PubMed 23663650 (cited by 3 submitters); PubMed 25904937 (cited by Quest Diagnostics Nichols Institute San Juan Capistrano and Ambry Genetics); PubMed 29259136 (cited by 3 submitters); PubMed 27765764 (cited by 3 submitters); PubMed 24507775 (cited by Ambry Genetics); PubMed 19191301 (cited by Women's Health and Genetics/Laboratory Corporation of America, LabCorp).